The following is an entry in ClinVar:

NM_000969.5(RPL5):c.427A>G (p.Thr143Ala)

Genes: DIPK1A (divergent protein kinase domain 1A; minus strand), RPL5 (ribosomal protein L5; plus strand). Cytogenetic location: 1p22.1.
Variant type: single nucleotide variant.
Coding change: c.427A>G on transcript NM_000969.5 (MANE Select); coding-DNA position 427, A replaced by G.
Protein change: p.Thr143Ala; replaces threonine 143 with alanine.
Molecular consequence: missense variant. On other transcripts: non-coding transcript variant (1), intron variant (1).
Genome position (GRCh38, 1-based): chr1:92,836,292, A>G. VCF-style: chr1-92836292-A-G. GRCh37 (hg19) VCF-style: chr1-93301849-A-G.
Other names: c.475-3258T>C (NM_001252273.2); short protein forms T143A.
Identifiers: ClinVar variation 2726991 (VCV002726991.3), dbSNP rs767564815, ClinGen allele CA952467.

ClinVar aggregate classification (germline): Uncertain significance (1 of 4 stars; one submission).

Conditions:
Diamond-Blackfan anemia. Also called: Blackfan Diamond syndrome; Aregenerative anemia chronic congenital; Red cell aplasia, pure hereditary; Congenital hypoplastic anemia; Aase syndrome. Identifiers: Orphanet 124, MedGen C1260899, MeSH D029503, MONDO:0015253, HP:0004810.

Allele frequency attached by ClinVar (database versions not stated): ExAC 0.00001; gnomAD exomes below 0.00001.
gnomAD v4.1: 2 of 1,614,122 alleles (0.00012%); highest among the groups gnomAD compares: African/African-American, 0.0013%; no homozygotes.

Submission:

Labcorp Genetics (formerly Invitae), Labcorp
Classification: Uncertain significance for Diamond-Blackfan anemia. Last evaluated: 2023-06-09. Review status: criteria provided, single submitter. Criteria: Invitae Variant Classification Sherloc (09022015). Collection method: clinical testing. Allele origin: germline.
Comment: In summary, the available evidence is currently insufficient to determine the role of this variant in disease. Therefore, it has been classified as a Variant of Uncertain Significance. Advanced modeling of protein sequence and biophysical properties (such as structural, functional, and spatial information, amino acid conservation, physicochemical variation, residue mobility, and thermodynamic stability) performed at Invitae indicates that this missense variant is not expected to disrupt RPL5 protein function. This variant has not been reported in the literature in individuals affected with RPL5-related conditions. This variant is present in population databases (rs767564815, gnomAD 0.007%). This sequence change replaces threonine, which is neutral and polar, with alanine, which is neutral and non-polar, at codon 143 of the RPL5 protein (p.Thr143Ala).